The following is an entry in ClinVar:

ClinVar aggregate classification (germline): Uncertain significance (1 of 4 stars; one submission).

gnomAD v4.1: 16 of 1,614,100 alleles (0.00099%); highest among the groups gnomAD compares: South Asian, 0.0066%; no homozygotes.

Submission:

Labcorp Genetics (formerly Invitae), Labcorp
Classification: Uncertain significance. Last evaluated: 2024-02-22. Review status: criteria provided, single submitter. Criteria: Invitae Variant Classification Sherloc (09022015). Collection method: clinical testing. Allele origin: germline.
Comment: This sequence change replaces arginine, which is basic and polar, with tryptophan, which is neutral and slightly polar, at codon 172 of the CLCN2 protein (p.Arg172Trp). This variant is present in population databases (rs769146540, gnomAD 0.006%). This variant has not been reported in the literature in individuals affected with CLCN2-related conditions. Advanced modeling of protein sequence and biophysical properties (such as structural, functional, and spatial information, amino acid conservation, physicochemical variation, residue mobility, and thermodynamic stability) performed at Invitae indicates that this missense variant is expected to disrupt CLCN2 protein function with a positive predictive value of 80%. This variant disrupts the p.Arg172 amino acid residue in CLCN2. Other variant(s) that disrupt this residue have been determined to be pathogenic (PMID: 29403011). This suggests that this residue is clinically significant, and that variants that disrupt this residue are likely to be disease-causing. In summary, the available evidence is currently insufficient to determine the role of this variant in disease. Therefore, it has been classified as a Variant of Uncertain Significance.

Literature cited by the submitters: PubMed 29403011.

NM_004366.6(CLCN2):c.514C>T (p.Arg172Trp)

Gene: CLCN2 (chloride voltage-gated channel 2; minus strand). Cytogenetic location: 3q27.1.
Variant type: single nucleotide variant.
Coding change: c.514C>T on transcript NM_004366.6 (MANE Select); coding-DNA position 514, C replaced by T.
Protein change: p.Arg172Trp; replaces arginine 172 with tryptophan.
Molecular consequence: missense variant.
Genome position (GRCh38, 1-based): chr3:184,358,063, G>A on the plus strand (C>T on the coding strand, the complement: CLCN2 is on the minus strand). VCF-style: chr3-184358063-G-A. GRCh37 (hg19) VCF-style: chr3-184075851-G-A.
Other names: c.514C>T, p.Arg172Trp (NM_001171087.3, NM_001171089.3); c.382C>T, p.Arg128Trp (NM_001171088.3); short protein forms R128W, R172W.
Identifiers: ClinVar variation 3701305 (VCV003701305.2).